The following is an entry in ClinVar:

ClinVar aggregate classification (germline): Uncertain significance. Review status: criteria provided, multiple submitters, no conflicts (2 of 4 stars). 2 submissions from 2 submitters: Uncertain significance (2). Last evaluated 2024-03-08.

Allele frequency attached by ClinVar (database versions not stated): gnomAD exomes below 0.00001.
gnomAD v4.1: 8 of 1,614,172 alleles (0.0005%); highest among the groups gnomAD compares: Admixed American, 0.0033%; no homozygotes.

Submissions (2):

Blueprint Genetics
Classification: Uncertain significance. Last evaluated: 2024-03-08. Review status: criteria provided, single submitter. Criteria: ACMG Guidelines, 2015. Collection method: clinical testing. Allele origin: germline.

Labcorp Genetics (formerly Invitae), Labcorp
Classification: Uncertain significance. Last evaluated: 2022-06-14. Review status: criteria provided, single submitter. Criteria: Invitae Variant Classification Sherloc (09022015). Collection method: clinical testing. Allele origin: germline.
Comment: In summary, the available evidence is currently insufficient to determine the role of this variant in disease. Therefore, it has been classified as a Variant of Uncertain Significance. Algorithms developed to predict the effect of missense changes on protein structure and function are either unavailable or do not agree on the potential impact of this missense change (SIFT: "Not Available"; PolyPhen-2: "Probably Damaging"; Align-GVGD: "Not Available"). This variant has not been reported in the literature in individuals affected with CDH3-related conditions. This variant is present in population databases (no rsID available, gnomAD 0.006%). This sequence change replaces aspartic acid, which is acidic and polar, with asparagine, which is neutral and polar, at codon 775 of the CDH3 protein (p.Asp775Asn).

NM_001793.6(CDH3):c.2323G>A (p.Asp775Asn)

Gene: CDH3 (cadherin 3; plus strand). Cytogenetic location: 16q22.1.
Variant type: single nucleotide variant.
Coding change: c.2323G>A on transcript NM_001793.6 (MANE Select); coding-DNA position 2323, G replaced by A.
Protein change: p.Asp775Asn; replaces aspartic acid 775 with asparagine.
Molecular consequence: missense variant. On other transcripts: 3 prime UTR variant (1).
Genome position (GRCh38, 1-based): chr16:68,698,233, G>A. VCF-style: chr16-68698233-G-A. GRCh37 (hg19) VCF-style: chr16-68732136-G-A.
Other names: c.*66G>A (NM_001317195.3); c.2158G>A, p.Asp720Asn (NM_001317196.2); short protein forms D720N, D775N.
Identifiers: ClinVar variation 1053719 (VCV001053719.10), dbSNP rs150829939, ClinGen allele CA396456709.